The following is an entry in ClinVar:

ClinVar aggregate classification (germline): Uncertain significance (1 of 4 stars; one submission).

Conditions:
Optic atrophy 3 (OPA3). Also called: Optic atrophy 3 with cataract; OPTIC ATROPHY 3, AUTOSOMAL DOMINANT; Optic atrophy, cataract, and neurologic disorder. Identifiers: Orphanet 67036, MedGen C1833809, MONDO:0008133, OMIM 165300.
3-Methylglutaconic aciduria type 3 (MGCA3). Also called: OPA3-Related 3-Methylglutaconic Aciduria; OPA3, AUTOSOMAL RECESSIVE; OPTIC ATROPHY 3, AUTOSOMAL RECESSIVE; Costeff Syndrome. Identifiers: Orphanet 67047, MedGen C0574084, MONDO:0009787, OMIM 258501.

Allele frequency attached by ClinVar (database versions not stated): gnomAD exomes below 0.00001.
gnomAD v4.1: 6 of 1,613,148 alleles (0.00037%); highest among the groups gnomAD compares: Non-Finnish European, 0.00034%; no homozygotes.

Submission:

Labcorp Genetics (formerly Invitae), Labcorp
Classification: Uncertain significance for 3-Methylglutaconic aciduria type 3; Optic atrophy 3. Last evaluated: 2023-10-03. Review status: criteria provided, single submitter. Criteria: Invitae Variant Classification Sherloc (09022015). Collection method: clinical testing. Allele origin: germline.
Comment: This sequence change replaces glutamic acid, which is acidic and polar, with lysine, which is basic and polar, at codon 74 of the OPA3 protein (p.Glu74Lys). This variant is not present in population databases (gnomAD no frequency). This variant has not been reported in the literature in individuals affected with OPA3-related conditions. An algorithm developed to predict the effect of missense changes on protein structure and function (PolyPhen-2) suggests that this variant is likely to be tolerated. In summary, the available evidence is currently insufficient to determine the role of this variant in disease. Therefore, it has been classified as a Variant of Uncertain Significance.

NM_025136.4(OPA3):c.220G>A (p.Glu74Lys)

Genes: OPA3 (outer mitochondrial membrane lipid metabolism regulator OPA3; minus strand), OPA3-RTN2 (OPA3-RTN2 readthrough; minus strand). Cytogenetic location: 19q13.32.
Variant type: single nucleotide variant.
Coding change: c.220G>A on transcript NM_025136.4 (MANE Select); coding-DNA position 220, G replaced by A.
Protein change: p.Glu74Lys; replaces glutamic acid 74 with lysine.
Molecular consequence: missense variant. On other transcripts: intron variant (1).
Genome position (GRCh38, 1-based): chr19:45,553,834, C>T on the plus strand (G>A on the coding strand, the complement: OPA3 is on the minus strand). VCF-style: chr19-45553834-C-T. GRCh37 (hg19) VCF-style: chr19-46057092-C-T.
Other names: c.143-24378G>A (NM_001017989.3); short protein forms E74K.
Identifiers: ClinVar variation 2936445 (VCV002936445.3), dbSNP rs2513824550, ClinGen allele CA406371205.